The following is an entry in ClinVar:

ClinVar aggregate classification (germline): Uncertain significance. Review status: criteria provided, single submitter (1 of 4 stars). 2 submissions from 2 submitters: Uncertain significance (1). 1 of the submissions does not count toward it. Last evaluated 2021-09-01.

Conditions:
IFT172-related disorder. Also called: IFT172-related disorders; IFT172-related condition.
Retinitis pigmentosa 71 (RP71). Identifiers: Orphanet 791, MedGen C4225342, MONDO:0014618, OMIM 616394.
Short-rib thoracic dysplasia 10 with or without polydactyly (SRTD10). Identifiers: Orphanet 474, MedGen C3810175, MONDO:0014284, OMIM 615630.

Allele frequency attached by ClinVar (database versions not stated): TOPMed 0.00002; gnomAD 0.00003.
gnomAD v4.1: 18 of 1,613,946 alleles (0.0011%); highest among the groups gnomAD compares: Admixed American, 0.0033%; no homozygotes.

Submissions (2):

Labcorp Genetics (formerly Invitae), Labcorp
Classification: Uncertain significance for Retinitis pigmentosa 71; Short-rib thoracic dysplasia 10 with or without polydactyly. Last evaluated: 2021-09-01. Review status: criteria provided, single submitter. Criteria: Invitae Variant Classification Sherloc (09022015). Collection method: clinical testing. Allele origin: germline.
Comment: This sequence change replaces glutamic acid with lysine at codon 1054 of the IFT172 protein (p.Glu1054Lys). The glutamic acid residue is moderately conserved and there is a small physicochemical difference between glutamic acid and lysine. This variant is present in population databases (rs763117647, ExAC 0.01%). This variant has not been reported in the literature in individuals affected with IFT172-related conditions. Algorithms developed to predict the effect of missense changes on protein structure and function output the following: SIFT: "Tolerated"; PolyPhen-2: "Benign"; Align-GVGD: "Class C0". The lysine amino acid residue is found in multiple mammalian species, which suggests that this missense change does not adversely affect protein function. In summary, the available evidence is currently insufficient to determine the role of this variant in disease. Therefore, it has been classified as a Variant of Uncertain Significance.

PreventionGenetics, part of Exact Sciences
Classification: Uncertain significance for IFT172-related condition. Last evaluated: 2024-05-07. Review status: no assertion criteria provided. Collection method: clinical testing. Allele origin: germline. Not counted in ClinVar's aggregate classification.
Comment: The IFT172 c.3160G>A variant is predicted to result in the amino acid substitution p.Glu1054Lys. To our knowledge, this variant has not been reported in the literature. This variant is reported in 0.0062% of alleles in individuals of African descent in gnomAD. At this time, the clinical significance of this variant is uncertain due to the absence of conclusive functional and genetic evidence.

NM_015662.3(IFT172):c.3160G>A (p.Glu1054Lys)

Gene: IFT172 (intraflagellar transport 172; minus strand). Cytogenetic location: 2p23.3.
Variant type: single nucleotide variant.
Coding change: c.3160G>A on transcript NM_015662.3 (MANE Select); coding-DNA position 3160, G replaced by A.
Protein change: p.Glu1054Lys; replaces glutamic acid 1054 with lysine.
Molecular consequence: missense variant.
Genome position (GRCh38, 1-based): chr2:27,457,707, C>T on the plus strand (G>A on the coding strand, the complement: IFT172 is on the minus strand). VCF-style: chr2-27457707-C-T. GRCh37 (hg19) VCF-style: chr2-27680574-C-T.
Other names: short protein forms E1054K.
Identifiers: ClinVar variation 849783 (VCV000849783.8), dbSNP rs763117647, ClinGen allele CA1580065.